The following is an entry in ClinVar:

ClinVar aggregate classification (germline): Uncertain significance (1 of 4 stars; one submission).

Submission:

GeneDx
Classification: Uncertain significance. Last evaluated: 2026-01-08. Review status: criteria provided, single submitter. Criteria: GeneDx Variant Classification Process June 2021. Collection method: clinical testing. Allele origin: germline. Affected: yes.
Comment: Not observed at significant frequency in large population cohorts (gnomAD); In silico analysis suggests that this missense variant does not alter protein structure/function; Has not been previously published as pathogenic or benign to our knowledge; Reported using an alternate transcript of the gene

NM_001103.4(ACTN2):c.784-478G>T

Gene: ACTN2 (actinin alpha 2; plus strand). Cytogenetic location: 1q43.
Variant type: single nucleotide variant.
Coding change: c.784-478G>T on transcript NM_001103.4 (MANE Select); 478 bases into the intron before coding-DNA position 784, G replaced by T.
Molecular consequence: intron variant. On other transcripts: missense variant (2).
Genome position (GRCh38, 1-based): chr1:236,736,644, G>T. VCF-style: chr1-236736644-G-T. GRCh37 (hg19) VCF-style: chr1-236899944-G-T.
Other names: c.135G>T, p.Arg45Ser (NM_001278344.2); c.9G>T, p.Arg3Ser (NM_001412150.1); c.784-478G>T (NM_001278343.2); short protein forms R3S, R45S.
Identifiers: ClinVar variation 1707047 (VCV001707047.3), dbSNP rs562366658, ClinGen allele CA345378618.
Genomic context (GRCh38, chr1:236,736,644, plus strand): 5'-AGCTCTGTGGAAGGATCCCCCTCCAGAAAGTTCTACATGTTCATATCAGGAGATGAGGAG[G>T]TCTTCAGTGAATTCAAGTGCAATGGTATATCTGGATTTTCCTGCCCCAGTTATTTTTGCC-3'